The following is an entry in ClinVar:

ClinVar aggregate classification (germline): Conflicting classifications of pathogenicity. Review status: criteria provided, conflicting classifications (1 of 4 stars). 6 submissions from 6 submitters: Uncertain significance (3); Likely benign (3). Last evaluated 2025-12-29.

Conditions:
Hereditary breast ovarian cancer syndrome. Also called: Hereditary breast and ovarian cancer; Hereditary breast and/or ovarian cancer syndrome; BRCA1- and BRCA2-Associated Hereditary Breast and Ovarian Cancer; Hereditary breast and ovarian cancer syndrome; Hereditary breast and ovarian cancer syndrome (HBOC); Breast and ovarian cancer. Identifiers: Orphanet 145, MedGen C0677776, MeSH D061325, MONDO:0003582. Disease mechanism: loss of function.
Hereditary cancer-predisposing syndrome. Also called: Tumor predisposition; Hereditary Cancer Syndrome; Hereditary neoplastic syndrome; Neoplastic Syndromes, Hereditary. Identifiers: Orphanet 140162, MedGen C0027672, MeSH D009386, MONDO:0015356.

Allele frequency attached by ClinVar (database versions not stated): ExAC 0.00001; gnomAD 0.00001.
gnomAD v4.1: 1 of 1,613,488 alleles (0.000062%); highest among the groups gnomAD compares: African/African-American, 0.0013%; no homozygotes.

Submissions (6):

Center for Genomic Medicine, Rigshospitalet, Copenhagen University Hospital
Classification: Likely benign. Last evaluated: 2025-12-29. Review status: criteria provided, single submitter. Criteria: ACMG Guidelines, 2015. Collection method: clinical testing. Allele origin: germline.

Labcorp Genetics (formerly Invitae), Labcorp
Classification: Uncertain significance for Hereditary breast ovarian cancer syndrome. Last evaluated: 2025-04-21. Review status: criteria provided, single submitter. Criteria: Invitae Variant Classification Sherloc (09022015). Collection method: clinical testing. Allele origin: germline.
Comment: This sequence change replaces leucine, which is neutral and non-polar, with phenylalanine, which is neutral and non-polar, at codon 947 of the BRCA2 protein (p.Leu947Phe). This variant is present in population databases (rs769971508, gnomAD 0.007%). This missense change has been observed in individual(s) with breast cancer (PMID: 20104584, 21520273). ClinVar contains an entry for this variant (Variation ID: 409422). Invitae Evidence Modeling of protein sequence and biophysical properties (such as structural, functional, and spatial information, amino acid conservation, physicochemical variation, residue mobility, and thermodynamic stability) indicates that this missense variant is not expected to disrupt BRCA2 protein function with a negative predictive value of 95%. In summary, the available evidence is currently insufficient to determine the role of this variant in disease. Therefore, it has been classified as a Variant of Uncertain Significance.

GeneDx
Classification: Uncertain significance. Last evaluated: 2024-02-13. Review status: criteria provided, single submitter. Criteria: GeneDx Variant Classification Process June 2021. Collection method: clinical testing. Allele origin: germline. Affected: yes.
Comment: Not observed at significant frequency in large population cohorts (gnomAD); In silico analysis supports that this missense variant does not alter protein structure/function; Also known as 3069G>T; This variant is associated with the following publications: (PMID: 21520273, 29684080, 20104584, 32377563, 29884841)

University of Washington Department of Laboratory Medicine, University of Washington
Classification: Likely benign for Hereditary cancer-predisposing syndrome. Last evaluated: 2023-03-23. Review status: criteria provided, single submitter. Criteria: Dines et al. (Genet Med. 2020). Collection method: curation. Allele origin: germline.
Comment: Missense variant in a coldspot region where missense variants are very unlikely to be pathogenic (PMID:31911673).

BRCA2 exon 11 coldspot. Reclassification based on statistical prior probability.

Women's Health and Genetics/Laboratory Corporation of America, LabCorp
Classification: Uncertain significance. Last evaluated: 2021-10-28. Review status: criteria provided, single submitter. Criteria: LabCorp Variant Classification Summary - May 2015. Collection method: clinical testing. Allele origin: germline.
Comment: Variant summary: BRCA2 c.2841G>T (p.Leu947Phe) results in a non-conservative amino acid change in the encoded protein sequence. Four of five in-silico tools predict a benign effect of the variant on protein function. The variant allele was found at a frequency of 4e-06 in 250504 control chromosomes. The available data on variant occurrences in the general population are insufficient to allow any conclusion about variant significance. c.2841G>T has been reported in the literature in individuals affected with Hereditary Breast And Ovarian Cancer Syndrome (Borg_2010, Capanu_2011), without strong evidence for causality. These reports do not provide unequivocal conclusions about association of the variant with Hereditary Breast And Ovarian Cancer Syndrome. To our knowledge, no experimental evidence demonstrating an impact on protein function has been reported. Two clinical diagnostic laboratories have submitted clinical-significance assessments for this variant to ClinVar after 2014 without evidence for independent evaluation. One laboratory classified the variant as likely benign, and one laboratory classified the variant as uncertain significance. Based on the evidence outlined above, the variant was classified as uncertain significance.

Ambry Genetics
Classification: Likely benign for Hereditary cancer-predisposing syndrome. Last evaluated: 2016-07-11. Review status: criteria provided, single submitter. Criteria: Ambry Variant Classification Scheme 2023. Collection method: clinical testing. Allele origin: germline.

Literature cited by the submitters: PubMed 20104584 (cited by Labcorp Genetics (formerly Invitae), Labcorp and Women's Health and Genetics/Laboratory Corporation of America, LabCorp); PubMed 21520273 (cited by Labcorp Genetics (formerly Invitae), Labcorp and Women's Health and Genetics/Laboratory Corporation of America, LabCorp).

NM_000059.4(BRCA2):c.2841G>T (p.Leu947Phe)

Gene: BRCA2 (BRCA2 DNA repair associated; plus strand). Cytogenetic location: 13q13.1.
Variant type: single nucleotide variant.
Coding change: c.2841G>T on transcript NM_000059.4 (MANE Select); coding-DNA position 2841, G replaced by T.
Protein change: p.Leu947Phe; replaces leucine 947 with phenylalanine.
Molecular consequence: missense variant.
Genome position (GRCh38, 1-based): chr13:32,337,196, G>T. VCF-style: chr13-32337196-G-T. GRCh37 (hg19) VCF-style: chr13-32911333-G-T.
Other names: short protein forms L947F.
Identifiers: ClinVar variation 409422 (VCV000409422.18), dbSNP rs769971508, ClinGen allele CA6940634.